The following is an entry in ClinVar:

NM_020297.4(ABCC9):c.3275T>C (p.Ile1092Thr)

Gene: ABCC9 (ATP binding cassette subfamily C member 9; minus strand). Cytogenetic location: 12p12.1.
Variant type: single nucleotide variant.
Coding change: c.3275T>C on transcript NM_020297.4 (MANE Select); coding-DNA position 3275, T replaced by C.
Protein change: p.Ile1092Thr; replaces isoleucine 1092 with threonine.
Molecular consequence: missense variant.
Genome position (GRCh38, 1-based): chr12:21,844,523, A>G on the plus strand (T>C on the coding strand, the complement: ABCC9 is on the minus strand). VCF-style: chr12-21844523-A-G. GRCh37 (hg19) VCF-style: chr12-21997457-A-G.
Other names: c.3275T>C, p.Ile1092Thr (NM_001377273.1, NM_005691.4); c.2408T>C, p.Ile803Thr (NM_001377274.1); short protein forms I1092T, I803T.
Identifiers: ClinVar variation 1026970 (VCV001026970.8), dbSNP rs182158174, ClinGen allele CA384118147.
Genomic context (GRCh38, chr12:21,844,523, plus strand): 5'-GAAGTAACCCAGTTACTCACCTGATCAATGATATTAGTATCAGCTGAAAAGCGATTGAGA[A>G]TCAGTCCCAGGGGTGTGGTATCAAAAAACCTAGGCAATAAACAGATGGAAGTATATGATA-3'
Protein context (NP_064693.2, residues 1082-1102): RFFDTTPLGL[Ile1092Thr]LNRFSADTNI

ClinVar aggregate classification (germline): Uncertain significance (1 of 4 stars; one submission).

Conditions:
Dilated cardiomyopathy 1O (CMD1O). Also called: CARDIOMYOPATHY, DILATED, WITH VENTRICULAR TACHYCARDIA. Identifiers: Orphanet 154, MedGen C1837839, MONDO:0012062, OMIM 608569.

gnomAD v4.1: 4 of 1,613,842 alleles (0.00025%); highest among the groups gnomAD compares: Non-Finnish European, 0.00034%; no homozygotes.

Submission:

Labcorp Genetics (formerly Invitae), Labcorp
Classification: Uncertain significance for Dilated cardiomyopathy 1O. Last evaluated: 2021-02-27. Review status: criteria provided, single submitter. Criteria: Invitae Variant Classification Sherloc (09022015). Collection method: clinical testing. Allele origin: germline.
Comment: In summary, the available evidence is currently insufficient to determine the role of this variant in disease. Therefore, it has been classified as a Variant of Uncertain Significance. Algorithms developed to predict the effect of missense changes on protein structure and function are either unavailable or do not agree on the potential impact of this missense change (SIFT: "Deleterious"; PolyPhen-2: "Probably Damaging"; Align-GVGD: "Class C0"). This variant has not been reported in the literature in individuals with ABCC9-related conditions. This variant is not present in population databases (ExAC no frequency). This sequence change replaces isoleucine with threonine at codon 1092 of the ABCC9 protein (p.Ile1092Thr). The isoleucine residue is moderately conserved and there is a moderate physicochemical difference between isoleucine and threonine.